The following is an entry in ClinVar:

NM_001012720.2(RGR):c.82C>G (p.Leu28Val)

Gene: RGR (retinal G protein coupled receptor; plus strand). Cytogenetic location: 10q23.1.
Variant type: single nucleotide variant.
Coding change: c.82C>G on transcript NM_001012720.2 (MANE Select); coding-DNA position 82, C replaced by G.
Protein change: p.Leu28Val; replaces leucine 28 with valine.
Molecular consequence: missense variant.
Genome position (GRCh38, 1-based): chr10:84,247,593, C>G. VCF-style: chr10-84247593-C-G. GRCh37 (hg19) VCF-style: chr10-86007349-C-G.
Other names: c.82C>G, p.Leu28Val (NM_001012722.2, NM_002921.4); short protein forms L28V.
Identifiers: ClinVar variation 4770108 (VCV004770108.1).
Genomic context (GRCh38, chr10:84,247,593, plus strand): 5'-GTTCTGACCCCAGCTGGGCCTCAGCAGCCCCAATGCCAGCCCCCACCCTTCCTTTCAGCT[C>G]TCTCCGGTCTCAGCCTCAATACCCTGACCATCTTCTCTTTCTGCAAGACCCCGGAGCTGC-3'
Protein context (NP_001012738.1, residues 18-38): AVGMVLLVEA[Leu28Val]SGLSLNTLTI

ClinVar aggregate classification (germline): Uncertain significance (1 of 4 stars; one submission).

gnomAD v4.1: 2 of 1,614,196 alleles (0.00012%); highest among the groups gnomAD compares: East Asian, 0.0022%; no homozygotes.

Submission:

Labcorp Genetics (formerly Invitae), Labcorp
Classification: Uncertain significance. Last evaluated: 2026-01-02. Review status: criteria provided, single submitter. Criteria: Invitae Variant Classification Sherloc (09022015). Collection method: clinical testing. Allele origin: germline.
Comment: This sequence change replaces leucine, which is neutral and non-polar, with valine, which is neutral and non-polar, at codon 28 of the RGR protein (p.Leu28Val). This variant is not present in population databases (gnomAD no frequency). This variant has not been reported in the literature in individuals affected with RGR-related conditions. Experimental studies and prediction algorithms are not available or were not evaluated, and the functional significance of this variant is currently unknown. In summary, the available evidence is currently insufficient to determine the role of this variant in disease. Therefore, it has been classified as a Variant of Uncertain Significance.